The following is an entry in ClinVar:

ClinVar aggregate classification (germline): Likely benign (1 of 4 stars; one submission).

Allele frequency attached by ClinVar (database versions not stated): 1000 Genomes Project 0.00020; 1000 Genomes Project 30x 0.00031; TOPMed 0.00154; gnomAD 0.00159; gnomAD exomes 0.00203.
gnomAD v4.1: 739 of 398,804 alleles (0.19%); highest among the groups gnomAD compares: Non-Finnish European, 0.28%; no homozygotes.

Submission:

CeGaT Center for Human Genetics Tuebingen
Classification: Likely benign. Last evaluated: 2026-01-01. Review status: criteria provided, single submitter. Criteria: CeGaT Center For Human Genetics Tuebingen Variant Classification Criteria Version 2. Collection method: clinical testing. Allele origin: germline. Affected: yes. Observed: 9 variant alleles.
Comment: KCNQ1OT1: BS1

NM_000218.3(KCNQ1):c.1514+23432G>A

Genes: KCNQ1 (potassium voltage-gated channel subfamily Q member 1; plus strand), KCNQ1OT1 (KCNQ1 opposite strand/antisense transcript 1; minus strand). Cytogenetic location: 11p15.5.
Variant type: single nucleotide variant.
Coding change: c.1514+23432G>A on transcript NM_000218.3 (MANE Select); 23432 bases into the intron after coding-DNA position 1514, G replaced by A.
Molecular consequence: intron variant. On other transcripts: non-coding transcript variant (1).
Genome position (GRCh38, 1-based): chr11:2,685,513, G>A. VCF-style: chr11-2685513-G-A. GRCh37 (hg19) VCF-style: chr11-2706743-G-A.
Other names: c.1244+23432G>A (NM_001406837.1); c.1418+23432G>A (NM_001406836.1); c.974+23432G>A (NM_001406838.1); c.1133+23432G>A (NM_181798.2).
Identifiers: ClinVar variation 2641484 (VCV002641484.24), dbSNP rs113559731, ClinGen allele CA216188106.
Genomic context (GRCh38, chr11:2,685,513, plus strand): 5'-GAAGCCCAGTGCAACTCCCATCTCACAGGCCACCAGCAAGTTGCTCACATCCAGACAGGA[G>A]ACGCTAGTCCTACAGGTGCAGTGGGAGGATCTGCAGATGACTACAGCTCTTGGCCCTTCC-3'